The following is an entry in ClinVar:

ClinVar aggregate classification (germline): Conflicting classifications of pathogenicity. Review status: criteria provided, conflicting classifications (1 of 4 stars). 6 submissions from 6 submitters: Likely pathogenic (1); Uncertain significance (5). Last evaluated 2026-05-12.

Conditions:
Hereditary cancer-predisposing syndrome. Also called: Tumor predisposition; Neoplastic Syndromes, Hereditary; Hereditary Cancer Syndrome; Hereditary neoplastic syndrome. Identifiers: Orphanet 140162, MedGen C0027672, MeSH D009386, MONDO:0015356.
Hereditary breast ovarian cancer syndrome. Also called: Hereditary breast and ovarian cancer syndrome; Breast and ovarian cancer; BRCA1- and BRCA2-Associated Hereditary Breast and Ovarian Cancer; Hereditary breast and/or ovarian cancer syndrome; Hereditary breast and ovarian cancer; Hereditary breast and ovarian cancer syndrome (HBOC). Identifiers: Orphanet 145, MedGen C0677776, MeSH D061325, MONDO:0003582. Disease mechanism: loss of function.

Submissions (6):

German Consortium for Hereditary Breast and Ovarian Cancer, University Hospital Cologne
Classification: Uncertain significance for Hereditary breast ovarian cancer syndrome. Last evaluated: 2026-05-12. Review status: criteria provided, single submitter. Criteria: ClinGen BRCA2 1.2.0. Collection method: curation. Allele origin: germline.
Comment: This classification follows the ClinGen ENIGMA BRCA2 v1.2.0 classification scheme; We chose these criteria: PS3 (strong pathogenic): Reported by one calibrated study to exhibit protein function similar to pathogenic control variants (PMID:33609447) (PS3 met); + PMIDs 38417439, 39779848, 39779857, PM2 (supporting pathogenic): absent from gnomAD v.2/3/4, BP4 (supporting benign): BayesDel no-AF score = 0.158 (thus < 0.18), BP5 (supporting benign): Combined LR Score 0.37063 Li et al. 2020 (PMID: 31853058)

Labcorp Genetics (formerly Invitae), Labcorp
Classification: Uncertain significance for Hereditary breast ovarian cancer syndrome. Last evaluated: 2025-06-03. Review status: criteria provided, single submitter. Criteria: Invitae Variant Classification Sherloc (09022015). Collection method: clinical testing. Allele origin: germline.
Comment: This sequence change replaces phenylalanine, which is neutral and non-polar, with serine, which is neutral and polar, at codon 3146 of the BRCA2 protein (p.Phe3146Ser). This variant is not present in population databases (gnomAD no frequency). This variant has not been reported in the literature in individuals affected with BRCA2-related conditions. ClinVar contains an entry for this variant (Variation ID: 185206). Invitae Evidence Modeling incorporating data from in vitro experimental studies (PMID: 33609447) indicates that this missense variant is expected to disrupt BRCA2 function with a positive predictive value of 95%. Experimental studies have shown that this missense change affects BRCA2 function (PMID: 33609447, 35736817). In summary, the available evidence is currently insufficient to determine the role of this variant in disease. Therefore, it has been classified as a Variant of Uncertain Significance.

Center for Genomic Medicine, Rigshospitalet, Copenhagen University Hospital
Classification: Uncertain significance. Last evaluated: 2025-03-04. Review status: criteria provided, single submitter. Criteria: ACMG Guidelines, 2015. Collection method: clinical testing. Allele origin: germline.

Ambry Genetics
Classification: Uncertain significance for Hereditary cancer-predisposing syndrome. Last evaluated: 2024-12-03. Review status: criteria provided, single submitter. Criteria: Ambry Variant Classification Scheme 2023. Collection method: clinical testing. Allele origin: germline.
Comment: The p.F3146S variant (also known as c.9437T>C), located in coding exon 24 of the BRCA2 gene, results from a T to C substitution at nucleotide position 9437. The phenylalanine at codon 3146 is replaced by serine, an amino acid with highly dissimilar properties. This variant was non-functional in a homology-directed DNA repair (HDR) assay (Richardson ME et al. Am J Hum Genet, 2021 03;108:458-468). This amino acid position is highly conserved in available vertebrate species. In addition, this alteration is predicted to be deleterious by in silico analysis. Since supporting evidence is limited at this time, the clinical significance of this alteration remains unclear.

GeneDx
Classification: Likely pathogenic. Last evaluated: 2023-12-19. Review status: criteria provided, single submitter. Criteria: GeneDx Variant Classification Process June 2021. Collection method: clinical testing. Allele origin: germline. Affected: yes.
Comment: In silico analysis supports that this missense variant does not alter protein structure/function; Not observed in large population cohorts (gnomAD); Also known as 9665T>C; This variant is associated with the following publications: (PMID: 12228710, 33609447, 35736817)

Clinical Genetics Laboratory, Skane University Hospital Lund
Classification: Uncertain significance. Last evaluated: 2023-11-03. Review status: criteria provided, single submitter. Criteria: ACMG Guidelines, 2015. Collection method: clinical testing. Allele origin: germline. Affected: yes.

Literature cited by the submitters: PubMed 33609447 (cited by 3 submitters); PubMed 35736817 (cited by Labcorp Genetics (formerly Invitae), Labcorp and Center for Genomic Medicine, Rigshospitalet, Copenhagen University Hospital).

NM_000059.4(BRCA2):c.9437T>C (p.Phe3146Ser)

Gene: BRCA2 (BRCA2 DNA repair associated; plus strand). Cytogenetic location: 13q13.1.
Variant type: single nucleotide variant.
Coding change: c.9437T>C on transcript NM_000059.4 (MANE Select); coding-DNA position 9437, T replaced by C.
Protein change: p.Phe3146Ser; replaces phenylalanine 3146 with serine.
Molecular consequence: missense variant.
Genome position (GRCh38, 1-based): chr13:32,394,869, T>C. VCF-style: chr13-32394869-T-C. GRCh37 (hg19) VCF-style: chr13-32969006-T-C.
Other names: short protein forms F3146S.
Identifiers: ClinVar variation 185206 (VCV000185206.19), dbSNP rs786202000, ClinGen allele CA026158.
Genomic context (GRCh38, chr13:32,394,869, plus strand): 5'-AGTGGCGACCAGAATCCAAATCAGGCCTTCTTACTTTATTTGCTGGAGATTTTTCTGTGT[T>C]TTCTGCTAGTCCAAAAGAGGGCCACTTTCAAGAGACATTCAACAAAATGAAAAATACTGT-3'
Protein context (NP_000050.3, residues 3136-3156): LTLFAGDFSV[Phe3146Ser]SASPKEGHFQ